The following is an entry in ClinVar:

NM_130384.3(ATRIP):c.1A>T (p.Met1Leu)

Genes: ATRIP (ATR interacting protein; plus strand), ATRIP-TREX1 (ATRIP-TREX1 readthrough; plus strand), LOC129936703 (ATAC-STARR-seq lymphoblastoid silent region 14331; plus strand). Cytogenetic location: 3p21.31.
Variant type: single nucleotide variant.
Coding change: c.1A>T on transcript NM_130384.3 (MANE Select); coding-DNA position 1, A replaced by T.
Protein change: p.Met1Leu; changes the start codon (methionine 1).
Molecular consequence: missense variant, initiator codon variant. On other transcripts: non-coding transcript variant (1), intron variant (1).
Genome position (GRCh38, 1-based): chr3:48,446,846, A>T. VCF-style: chr3-48446846-A-T. GRCh37 (hg19) VCF-style: chr3-48488250-A-T.
Other names: c.1A>T, p.Met1Leu (NM_032166.4); c.-218+47A>T (NM_001271022.2); short protein forms M1L.
Identifiers: ClinVar variation 4644505 (VCV004644505.1).
Genomic context (GRCh38, chr3:48,446,846, plus strand): 5'-CGGCCTGGCGGCAGGCAAGTCTAGCTCGGCGCTGTCGGATACTTGGGGTGAGCGGAAAGC[A>T]TGGCGGGGACCTCCGCGCCAGGCAGCAAGAGGCGGAGCGAGCCCCCGGCGCCTCGCCCCG-3'
Protein context (NP_569055.1, residues 1-11): [Met1Leu]AGTSAPGSKR

ClinVar aggregate classification (germline): Uncertain significance (1 of 4 stars; one submission).

Submission:

Ambry Genetics
Classification: Uncertain significance. Last evaluated: 2025-11-18. Review status: criteria provided, single submitter. Criteria: Ambry Variant Classification Scheme 2023. Collection method: clinical testing. Allele origin: germline.
Comment: The p.M1? variant (also known as c.1A>T) is located in coding exon 1 of the ATRIP gene and results from a A to T substitution at nucleotide position 1. This alters the methionine residue at the initiation codon (ATG). Sequence variations that modify the initiation codon are expected to result in either loss of translation initiation, N-terminal truncation, or cause a shift in the mRNA reading frame. The evidence for this gene-disease relationship is limited; therefore, the clinical significance of this alteration is unclear.